The following is an entry in ClinVar:

ClinVar aggregate classification (germline): Pathogenic (1 of 4 stars; one submission).

Conditions:
Classic homocystinuria. Also called: HOMOCYSTINURIA WITH OR WITHOUT RESPONSE TO PYRIDOXINE; Homocystinuria due to CBS deficiency; Cystathionine beta-synthase deficiency; CBS deficiency; Homocystinuria due to Cystathionine Beta-Synthase Deficiency. Identifiers: Orphanet 394, MedGen C0751202, MONDO:0009352, OMIM 236200.

Submission:

Myriad Genetics, Inc.
Classification: Pathogenic for Classic homocystinuria. Last evaluated: 2025-05-17. Review status: criteria provided, single submitter. Criteria: Myriad Autosomal Dominant, Autosomal Recessive and X-Linked Classification Criteria (2023). Collection method: clinical testing. Allele origin: unknown.
Comment: NM_000071.2(CBS):c.263delC(P88Lfs*14) is expected to be pathogenic in the context of homocystinuria, CBS-related. This variant is predicted to lead to an abnormal or absent protein product due to the creation of a premature termination codon in CBS, a gene where loss-of-function variants are known to be pathogenic. Please note: this variant was assessed in the context of healthy population screening.

NM_000071.3(CBS):c.263del (p.Pro88fs)

Gene: CBS (cystathionine beta-synthase; minus strand). Cytogenetic location: 21q22.3.
Variant type: Deletion.
Coding change: c.263del on transcript NM_000071.3 (MANE Select); coding-DNA position 263, one base deleted (C; older notation c.263delC).
Protein change: p.Pro88fs; shifts the reading frame from proline 88.
Molecular consequence: frameshift variant.
Genome position (GRCh38, 1-based): chr21:43,068,562, G deleted on the plus strand (C on the coding strand, the reverse complement: CBS is on the minus strand); the first of 4 consecutive G bases (chr21:43,068,562-43,068,565); deleting any one gives the same sequence. VCF-style (leftmost placement, unchanged base first): chr21-43068561-AG-A. GRCh37 (hg19) VCF-style: chr21-44488671-AG-A.
Other names: c.263del, p.Pro88fs (NM_001178008.3, NM_001178009.3, NM_001320298.2); short protein forms P88fs.
Identifiers: ClinVar variation 5014457 (VCV005014457.1).